The following is an entry in ClinVar:

NM_001111125.3(IQSEC2):c.2587C>T (p.Arg863Trp)

Gene: IQSEC2 (IQ motif and Sec7 domain ArfGEF 2; minus strand). Cytogenetic location: Xp11.22.
Variant type: single nucleotide variant.
Coding change: c.2587C>T on transcript NM_001111125.3 (MANE Select); coding-DNA position 2587, C replaced by T.
Protein change: p.Arg863Trp; replaces arginine 863 with tryptophan.
Molecular consequence: missense variant.
Genome position (GRCh38, 1-based): chrX:53,247,131, G>A on the plus strand (C>T on the coding strand, the complement: IQSEC2 is on the minus strand). VCF-style: chrX-53247131-G-A. GRCh37 (hg19) VCF-style: chrX-53276313-G-A.
Other names: c.1972C>T, p.Arg658Trp (NM_015075.2); c.2587C>T (NM_001111125.1); short protein forms R863W, R658W.
Identifiers: ClinVar variation 10862 (VCV000010862.9), dbSNP rs267607186, ClinGen allele CA247579.

ClinVar aggregate classification (germline): Conflicting classifications of pathogenicity. Review status: criteria provided, conflicting classifications (1 of 4 stars). 4 submissions from 4 submitters: Pathogenic (1); Likely pathogenic (1); Uncertain significance (1). 1 of the submissions does not count toward it. Last evaluated 2025-03-21.

Conditions:
Intellectual developmental disorder, X-linked 1. Also called: MENTAL RETARDATION, X-LINKED 18; MENTAL RETARDATION, X-LINKED 78; Intellectual disability, X-linked 1; Atkin Flaitz Patil Smith syndrome. Identifiers: Orphanet 777, MedGen C2931498, MONDO:0010656, OMIM 309530.
Intellectual disability. Also called: Intellectual developmental disorder; Intellectual functioning disability; intellectual disabilities. Identifiers: MedGen C3714756, MeSH D008607, MONDO:0001071, HP:0001249.

Submissions (4):

GeneDx
Classification: Pathogenic. Last evaluated: 2025-03-21. Review status: criteria provided, single submitter. Criteria: GeneDx Variant Classification Process June 2021. Collection method: clinical testing. Allele origin: germline. Affected: yes.
Comment: Not observed at significant frequency in large population cohorts (gnomAD); In silico analysis supports that this missense variant has a deleterious effect on protein structure/function; This variant is associated with the following publications: (PMID: 31490346, 32529990, 26733290, 27009485, 20473311, 26793055, 27665735, 24306141, 30328660, 27010919, 36902414, 27369185)

Diagnostic Laboratory, Strasbourg University Hospital
Classification: Likely pathogenic for Intellectual disability. Last evaluated: 2020-09-10. Review status: criteria provided, single submitter. Criteria: ACMG Guidelines, 2015. Collection method: clinical testing. Allele origin: maternal. Affected: yes. Observed: 1 hemizygote.

Eurofins Ntd Llc (ga)
Classification: Uncertain significance. Last evaluated: 2015-02-13. Review status: criteria provided, single submitter. Criteria: EGL Classification Definitions 2015. Collection method: clinical testing. Allele origin: germline. Observed: 1 variant allele, 1 heterozygote.

OMIM
Classification: Pathogenic for INTELLECTUAL DEVELOPMENTAL DISORDER, X-LINKED 1. Last evaluated: 2010-06-01. Review status: no assertion criteria provided. Collection method: literature only. Allele origin: germline. Not counted in ClinVar's aggregate classification.

Literature cited by the submitters: PubMed 20473311 (cited by Eurofins Ntd Llc (ga) and OMIM); PubMed 3177466 (cited by OMIM).